The following is an entry in ClinVar:

NM_004364.5(CEBPA):c.898C>T (p.Arg300Cys)

Gene: CEBPA (CCAAT enhancer binding protein alpha; minus strand). Cytogenetic location: 19q13.11.
Variant type: single nucleotide variant.
Coding change: c.898C>T on transcript NM_004364.5 (MANE Select); coding-DNA position 898, C replaced by T.
Protein change: p.Arg300Cys; replaces arginine 300 with cysteine.
Molecular consequence: missense variant.
Genome position (GRCh38, 1-based): chr19:33,301,517, G>A on the plus strand (C>T on the coding strand, the complement: CEBPA is on the minus strand). VCF-style: chr19-33301517-G-A. GRCh37 (hg19) VCF-style: chr19-33792423-G-A.
Other names: c.541C>T, p.Arg181Cys (NM_001285829.2); c.1003C>T, p.Arg335Cys (NM_001287424.2); c.856C>T, p.Arg286Cys (NM_001287435.2); short protein forms R181C, R286C, R300C, R335C.
Identifiers: ClinVar variation 4868667 (VCV004868667.1).

ClinVar aggregate classification (germline): Uncertain significance (1 of 4 stars; one submission).

Conditions:
Inborn genetic diseases. Identifiers: MedGen C0950123, MeSH D030342.

Submission:

Ambry Genetics
Classification: Uncertain significance for Inborn genetic diseases. Last evaluated: 2026-03-27. Review status: criteria provided, single submitter. Criteria: Ambry Variant Classification Scheme 2023. Collection method: clinical testing. Allele origin: germline.
Comment: The p.R300C variant (also known as c.898C>T), located in coding exon 1 of the CEBPA gene, results from a C to T substitution at nucleotide position 898. The arginine at codon 300 is replaced by cysteine, an amino acid with highly dissimilar properties. This amino acid position is highly conserved in available vertebrate species. In addition, this alteration is predicted to be deleterious by in silico analysis. Based on the available evidence, the clinical significance of this variant remains unclear.